The following is an entry in ClinVar:

NM_058216.3(RAD51C):c.300A>G (p.Ile100Met)

Gene: RAD51C (RAD51 paralog C; plus strand). Cytogenetic location: 17q22.
Variant type: single nucleotide variant.
Coding change: c.300A>G on transcript NM_058216.3 (MANE Select); coding-DNA position 300, A replaced by G.
Protein change: p.Ile100Met; replaces isoleucine 100 with methionine.
Molecular consequence: missense variant. On other transcripts: non-coding transcript variant (2).
Genome position (GRCh38, 1-based): chr17:58,695,085, A>G. VCF-style: chr17-58695085-A-G. GRCh37 (hg19) VCF-style: chr17-56772446-A-G.
Other names: c.300A>G, p.Ile100Met (NM_002876.4, NM_058217.1); short protein forms I100M.
Identifiers: ClinVar variation 2774194 (VCV002774194.2), dbSNP rs2509275144, ClinGen allele CA400340994.
Genomic context (GRCh38, chr17:58,695,085, plus strand): 5'-GTCACACAAGAAGTGTACAGCACTGGAACTTCTTGAGCAGGAGCATACCCAGGGCTTCAT[A>G]ATCACCTTCTGTTCAGCACTAGATGATATTCTTGGGGGTGGAGTGCCCTTAATGAAAACA-3'
Protein context (NP_478123.1, residues 90-110): LLEQEHTQGF[Ile100Met]ITFCSALDDI

ClinVar aggregate classification (germline): Uncertain significance (1 of 4 stars; one submission).

Conditions:
Hereditary cancer-predisposing syndrome. Also called: Hereditary neoplastic syndrome; Hereditary Cancer Syndrome; Neoplastic Syndromes, Hereditary; Tumor predisposition. Identifiers: Orphanet 140162, MedGen C0027672, MeSH D009386, MONDO:0015356.

Submission:

Color Diagnostics, LLC DBA Color Health
Classification: Uncertain significance for Hereditary cancer-predisposing syndrome. Last evaluated: 2023-07-24. Review status: criteria provided, single submitter. Criteria: ACMG Guidelines, 2015. Collection method: clinical testing. Allele origin: germline.
Comment: This missense variant replaces isoleucine with methionine at codon 100 of the RAD51C protein. Computational prediction suggests that this variant may not impact protein structure and function (internally defined REVEL score threshold <= 0.5, PMID: 27666373). To our knowledge, functional studies have not been reported for this variant. This variant has not been reported in individuals affected with RAD51C-related disorders in the literature. This variant has not been identified in the general population by the Genome Aggregation Database (gnomAD). The available evidence is insufficient to determine the role of this variant in disease conclusively. Therefore, this variant is classified as a Variant of Uncertain Significance.